The following is an entry in ClinVar:

NM_004963.4(GUCY2C):c.1967A>G (p.Asn656Ser)

Gene: GUCY2C (guanylate cyclase 2C; minus strand). Cytogenetic location: 12p12.3.
Variant type: single nucleotide variant.
Coding change: c.1967A>G on transcript NM_004963.4 (MANE Select); coding-DNA position 1967, A replaced by G.
Protein change: p.Asn656Ser; replaces asparagine 656 with serine.
Molecular consequence: missense variant.
Genome position (GRCh38, 1-based): chr12:14,641,183, T>C on the plus strand (A>G on the coding strand, the complement: GUCY2C is on the minus strand). VCF-style: chr12-14641183-T-C. GRCh37 (hg19) VCF-style: chr12-14794117-T-C.
Other names: c.1967A>G (NM_004963.3); short protein forms N656S.
Identifiers: ClinVar variation 1429078 (VCV001429078.11), dbSNP rs1435086834, ClinGen allele CA383984144.

ClinVar aggregate classification (germline): Conflicting classifications of pathogenicity. Review status: criteria provided, conflicting classifications (1 of 4 stars). 3 submissions from 3 submitters: Uncertain significance (2); Likely benign (1). Last evaluated 2026-01-08.

Conditions:
Inborn genetic diseases. Identifiers: MedGen C0950123, MeSH D030342.
Congenital diarrhea 6. Identifiers: Orphanet 314373, MedGen C3553270, MONDO:0013825, OMIM 614616.

Allele frequency attached by ClinVar (database versions not stated): gnomAD exomes 0.00001 and 0.00005; gnomAD 0.00004 and 0.00005; TOPMed 0.00007.
gnomAD v4.1: 20 of 1,613,632 alleles (0.0012%); highest among the groups gnomAD compares: Admixed American, 0.028%; no homozygotes.

Submissions (3):

Labcorp Genetics (formerly Invitae), Labcorp
Classification: Uncertain significance. Last evaluated: 2026-01-08. Review status: criteria provided, single submitter. Criteria: Invitae Variant Classification Sherloc (09022015). Collection method: clinical testing. Allele origin: germline.
Comment: This sequence change replaces asparagine, which is neutral and polar, with serine, which is neutral and polar, at codon 656 of the GUCY2C protein (p.Asn656Ser). This variant is present in population databases (no rsID available, gnomAD 0.04%). This variant has not been reported in the literature in individuals affected with GUCY2C-related conditions. ClinVar contains an entry for this variant (Variation ID: 1429078). Invitae Evidence Modeling of protein sequence and biophysical properties (such as structural, functional, and spatial information, amino acid conservation, physicochemical variation, residue mobility, and thermodynamic stability) indicates that this missense variant is not expected to disrupt GUCY2C protein function with a negative predictive value of 80%. In summary, the available evidence is currently insufficient to determine the role of this variant in disease. Therefore, it has been classified as a Variant of Uncertain Significance.

Ambry Genetics
Classification: Likely benign for Inborn genetic diseases. Last evaluated: 2024-04-24. Review status: criteria provided, single submitter. Criteria: Ambry Variant Classification Scheme 2023. Collection method: clinical testing. Allele origin: germline.

Laboratorio de Genetica e Diagnostico Molecular, Hospital Israelita Albert Einstein
Classification: Uncertain significance for Congenital diarrhea 6. Last evaluated: 2021-04-08. Review status: criteria provided, single submitter. Criteria: ACMG Guidelines, 2015. Collection method: clinical testing. Allele origin: germline. Affected: yes.
Comment: ACMG classification criteria: PM2, PP1, BP4